The following is an entry in ClinVar:

ClinVar aggregate classification (germline): Pathogenic. Review status: criteria provided, multiple submitters, no conflicts (2 of 4 stars). 2 submissions from 2 submitters: Pathogenic (2). Last evaluated 2019-07-01.

Conditions:
DICER1-related tumor predisposition. Also called: DICER1-related pleuropulmonary blastoma cancer predisposition syndrome; DICER1 syndrome. Identifiers: Orphanet 284343, MedGen C3839822, MONDO:0100216.

Submissions (2):

Foulkes Cancer Genetics LDI, Lady Davis Institute for Medical Research
Classification: Pathogenic for Pleuropulmonary blastoma. Last evaluated: 2019-07-01. Review status: criteria provided, single submitter. Criteria: ACMG Guidelines, 2015. Collection method: curation. Allele origin: germline. Affected: yes. Observed: 2 variant alleles.
Comment: ACMG criteria met: PVS1, PM2, PP4

PreventionGenetics, part of Exact Sciences
Classification: Pathogenic. Last evaluated: 2014-04-17. Review status: criteria provided, single submitter. Criteria: ACMG Guidelines, 2015. Collection method: clinical testing. Allele origin: germline.

Literature cited by the submitters: PubMed 21266384 (cited by Foulkes Cancer Genetics LDI, Lady Davis Institute for Medical Research); PubMed 25836323 (cited by Foulkes Cancer Genetics LDI, Lady Davis Institute for Medical Research).

NM_177438.3(DICER1):c.1196_1197dup (p.Trp400fs)

Gene: DICER1 (dicer 1, ribonuclease III; minus strand). Cytogenetic location: 14q32.13.
Variant type: Duplication.
Coding change: c.1196_1197dup on transcript NM_177438.3 (MANE Select); coding-DNA positions 1196 to 1197, 2 bases duplicated (AG; older notation c.1196_1197dupAG).
Protein change: p.Trp400fs; shifts the reading frame from tryptophan 400.
Molecular consequence: frameshift variant.
Genome position (GRCh38, 1-based): chr14:95,124,375-95,124,376, CT duplicated on the plus strand (AG on the coding strand, the reverse complement: DICER1 is on the minus strand); duplicating any 2 consecutive bases within chr14:95,124,375-95,124,377 gives the same sequence; the c. name uses the placement nearest the transcript's 3' end. VCF-style (leftmost placement, unchanged base first): chr14-95124374-A-ACT. GRCh37 (hg19) VCF-style: chr14-95590711-A-ACT.
Other names: c.1196_1197dupAG (NM_177438.2); c.1196_1197dup, p.Trp400fs (NM_001195573.1, NM_001271282.3, NM_001291628.2 and 1 more transcripts); short protein forms W400fs.
Identifiers: ClinVar variation 690436 (VCV000690436.5), dbSNP rs1595438867, ClinGen allele CA915946418.
Genomic context (GRCh38, chr14:95,124,374, plus strand): 5'-CATCATCATCCTCAGAATCACTCCATGACACATAATTATCCTGATTTCTATTATTATACC[A>ACT]CTCAACGCTTTCAAACTGCTGTCGCTCATATGGTTTATATTTGCGTAAGATTTCGAGCAG-3'